The following is an entry in ClinVar:

NM_002226.5(JAG2):c.1179G>A (p.Pro393=)

Gene: JAG2 (jagged canonical Notch ligand 2; minus strand). Cytogenetic location: 14q32.33.
Variant type: single nucleotide variant.
Coding change: c.1179G>A on transcript NM_002226.5 (MANE Select); coding-DNA position 1179, G replaced by A.
Protein change: p.Pro393=; no amino-acid change (proline 393 retained).
Molecular consequence: synonymous variant.
Genome position (GRCh38, 1-based): chr14:105,151,371, C>T on the plus strand (G>A on the coding strand, the complement: JAG2 is on the minus strand). VCF-style: chr14-105151371-C-T. GRCh37 (hg19) VCF-style: chr14-105617708-C-T.
Other names: c.1179G>A, p.Pro393= (NM_145159.3).
Identifiers: ClinVar variation 5039264 (VCV005039264.1).
Genomic context (GRCh38, chr14:105,151,371, plus strand): 5'-CTCGGGGCAGATGCACTCAAAGCCGTCCACCTGGTCCACACAGGTGCCACCGGCCGCACA[C>T]GGGTTCGAAGCACACTCATCGATGTCTGCAGAGGGTGGAGAAAGGTGGGGCCCTGGCAGT-3'
Protein context (NP_002217.3, residues 383-403): ALDIDECASN[Pro393=]CAAGGTCVDQ

ClinVar aggregate classification (germline): Likely benign (1 of 4 stars; one submission).

gnomAD v4.1: 122 of 1,611,732 alleles (0.0076%); highest among the groups gnomAD compares: African/African-American, 0.093%; no homozygotes.

Submission:

CeGaT Center for Human Genetics Tuebingen
Classification: Likely benign. Last evaluated: 2026-07-01. Review status: criteria provided, single submitter. Criteria: CeGaT Center For Human Genetics Tuebingen Variant Classification Criteria Version 2. Collection method: clinical testing. Allele origin: germline. Affected: yes. Observed: 1 variant allele.
Comment: JAG2: BP4, BP7